The following is an entry in ClinVar:

ClinVar aggregate classification (germline): Uncertain significance (1 of 4 stars; one submission).

Submission:

Dasa
Classification: Uncertain significance. Last evaluated: 2025-07-05. Review status: criteria provided, single submitter. Criteria: DASA Assertion Criteria. Collection method: clinical testing. Allele origin: germline.
Comment: NM_001174147.2(LMX1B):c.139+3G>A is a splice-region variant. This variant is rare in population databases. Computational prediction algorithms are consistent with a benign effect. The currently available literature and clinical evidence are not sufficient to establish a definitive association between this variant and the reported condition. Therefore, this variant is classified as a variant of uncertain significance.

NM_001174147.2(LMX1B):c.139+3G>A

Gene: LMX1B (LIM homeobox transcription factor 1 beta; plus strand). Cytogenetic location: 9q33.3.
Variant type: single nucleotide variant.
Coding change: c.139+3G>A on transcript NM_001174147.2 (MANE Select); 3 bases into the intron after coding-DNA position 139, G replaced by A.
Molecular consequence: intron variant.
Genome position (GRCh38, 1-based): chr9:126,614,591, G>A. VCF-style: chr9-126614591-G-A. GRCh37 (hg19) VCF-style: chr9-129376870-G-A.
Other names: c.139+3G>A (NM_001174146.2, NM_002316.4).
Identifiers: ClinVar variation 4885109 (VCV004885109.2).